The following is an entry in ClinVar:

NM_001256545.2(MEGF10):c.1831T>C (p.Cys611Arg)

Gene: MEGF10 (multiple EGF like domains 10; plus strand). Cytogenetic location: 5q23.2.
Variant type: single nucleotide variant.
Coding change: c.1831T>C on transcript NM_001256545.2 (MANE Select); coding-DNA position 1831, T replaced by C.
Protein change: p.Cys611Arg; replaces cysteine 611 with arginine.
Molecular consequence: missense variant.
Genome position (GRCh38, 1-based): chr5:127,433,500, T>C. VCF-style: chr5-127433500-T-C. GRCh37 (hg19) VCF-style: chr5-126769192-T-C.
Other names: c.1831T>C, p.Cys611Arg (NM_032446.3); short protein forms C611R.
Identifiers: ClinVar variation 840177 (VCV000840177.8), dbSNP rs1765456845, ClinGen allele CA360731689.

ClinVar aggregate classification (germline): Uncertain significance (1 of 4 stars; one submission).

Conditions:
MEGF10-related myopathy (CMYO10A). Also called: Congenital myopathy 10A, severe variant. Identifiers: Orphanet 439212, MedGen C3280679, MONDO:0013731, OMIM 614399.

Allele frequency attached by ClinVar (database versions not stated): TOPMed below 0.00001; gnomAD 0.00001.
gnomAD v4.1: 1 of 1,605,604 alleles (0.000062%); highest among the groups gnomAD compares: African/African-American, 0.0013%; no homozygotes.

Submission:

Labcorp Genetics (formerly Invitae), Labcorp
Classification: Uncertain significance for MEGF10-related myopathy. Last evaluated: 2019-03-15. Review status: criteria provided, single submitter. Criteria: Invitae Variant Classification Sherloc (09022015). Collection method: clinical testing. Allele origin: germline.
Comment: In summary, the available evidence is currently insufficient to determine the role of this variant in disease. Therefore, it has been classified as a Variant of Uncertain Significance. This variant disrupts the p.Cys611 amino acid residue in MEGF10. Other variant(s) that disrupt this residue have been observed in individuals with MEGF10-related conditions (PMID: 26802438), which suggests that this may be a clinically significant amino acid residue. Algorithms developed to predict the effect of missense changes on protein structure and function (SIFT, PolyPhen-2, Align-GVGD) all suggest that this variant is likely to be disruptive, but these predictions have not been confirmed by published functional studies and their clinical significance is uncertain. This variant has not been reported in the literature in individuals with MEGF10-related conditions. This variant is not present in population databases (ExAC no frequency). This sequence change replaces cysteine with arginine at codon 611 of the MEGF10 protein (p.Cys611Arg). The cysteine residue is highly conserved and there is a large physicochemical difference between cysteine and arginine.

Literature cited by the submitters: PubMed 26802438.